The following is an entry in ClinVar:

NM_002473.6(MYH9):c.2958G>C (p.Gln986His)

Genes: MYH9 (myosin heavy chain 9; minus strand), LOC126863137 (CDK7 strongly-dependent group 2 enhancer GRCh37_chr22:36696002-36697201; plus strand). Cytogenetic location: 22q12.3.
Variant type: single nucleotide variant.
Coding change: c.2958G>C on transcript NM_002473.6 (MANE Select); coding-DNA position 2958, G replaced by C.
Protein change: p.Gln986His; replaces glutamine 986 with histidine.
Molecular consequence: missense variant.
Genome position (GRCh38, 1-based): chr22:36,300,145, C>G on the plus strand (G>C on the coding strand, the complement: MYH9 is on the minus strand). VCF-style: chr22-36300145-C-G. GRCh37 (hg19) VCF-style: chr22-36696191-C-G.
Other names: short protein forms Q986H.
Identifiers: ClinVar variation 666867 (VCV000666867.15), dbSNP rs199520053, ClinGen allele CA10209809.
Genomic context (GRCh38, chr22:36,300,145, plus strand): 5'-GGCGCCCCTGGAGCAGCGGCAGGCGACAGCCACGGGCCTCACCTTGGCCAGCTTGCAGTT[C>G]TGGTCCTCCAGGATGATCTGCTCCTCCTCCAGCTTTTTCAGCTTCGCCTCGGTGGTCACC-3'
Protein context (NP_002464.1, residues 976-996): LEEEQIILED[Gln986His]NCKLAKEKKL

ClinVar aggregate classification (germline): Conflicting classifications of pathogenicity. Review status: criteria provided, conflicting classifications (1 of 4 stars). 4 submissions from 4 submitters: Uncertain significance (2); Likely benign (2). Last evaluated 2026-03-17.

Conditions:
Inborn genetic diseases. Identifiers: MedGen C0950123, MeSH D030342.

Allele frequency attached by ClinVar (database versions not stated): ExAC 0.00003; gnomAD 0.00003; gnomAD exomes 0.00003 and 0.00004; TOPMed 0.00003; 1000 Genomes Project 30x 0.00016; 1000 Genomes Project 0.00020.
gnomAD v4.1: 53 of 1,612,354 alleles (0.0033%); highest among the groups gnomAD compares: Admixed American, 0.0083%; no homozygotes.

Submissions (4):

GeneDx
Classification: Uncertain significance. Last evaluated: 2026-03-17. Review status: criteria provided, single submitter. Criteria: GeneDx Variant Classification Process June 2021. Collection method: clinical testing. Allele origin: germline.
Comment: In silico analysis supports that this missense variant has a deleterious effect on protein structure/function; Has not been previously published as pathogenic or benign to our knowledge

Labcorp Genetics (formerly Invitae), Labcorp
Classification: Likely benign. Last evaluated: 2025-10-06. Review status: criteria provided, single submitter. Criteria: Invitae Variant Classification Sherloc (09022015). Collection method: clinical testing. Allele origin: germline.

Ambry Genetics
Classification: Uncertain significance for Inborn genetic diseases. Last evaluated: 2023-12-16. Review status: criteria provided, single submitter. Criteria: Ambry Variant Classification Scheme 2023. Collection method: clinical testing. Allele origin: germline.

Laboratory for Molecular Medicine, Mass General Brigham Personalized Medicine
Classification: Likely benign. Last evaluated: 2019-06-11. Review status: criteria provided, single submitter. Criteria: LMM Criteria. Collection method: clinical testing. Allele origin: germline. Observed: 2 variant alleles.
Comment: The p.Gln986His variant in MYH9 is classified as likely benign because it been identified in 1 family with hearing loss by our laboratory; however it did not segregate in 6 affected relatives. It has been identified in 0.008% (3/34592) of Latino chromosomes by gnomAD. Computational prediction tools and conservation analysis do not provide strong support for or against an impact to the protein, though several reptiles and fish have a histidine (His) at this position. In summary, the clinical significance of this variant is uncertain. ACMG/AMP Criteria applied: BS4, PM2_Supporting.